The following is an entry in ClinVar:

ClinVar aggregate classification (germline): Uncertain significance. Review status: criteria provided, multiple submitters, no conflicts (2 of 4 stars). 3 submissions from 3 submitters: Uncertain significance (3). Last evaluated 2024-08-07.

Conditions:
Inborn genetic diseases. Identifiers: MedGen C0950123, MeSH D030342.
Congenital anomalies of kidney and urinary tract 2. Identifiers: Orphanet 2190, MedGen C5574705, MONDO:0027676, OMIM 143400.

Allele frequency attached by ClinVar (database versions not stated): TOPMed 0.00003; gnomAD 0.00004; ExAC 0.00011; gnomAD exomes 0.00012.
gnomAD v4.1: 166 of 1,582,502 alleles (0.01%); highest among the groups gnomAD compares: Admixed American, 0.019%; no homozygotes.

Submissions (3):

Ambry Genetics
Classification: Uncertain significance for Inborn genetic diseases. Last evaluated: 2024-08-07. Review status: criteria provided, single submitter. Criteria: Ambry Variant Classification Scheme 2023. Collection method: clinical testing. Allele origin: germline.

Labcorp Genetics (formerly Invitae), Labcorp
Classification: Uncertain significance. Last evaluated: 2024-04-22. Review status: criteria provided, single submitter. Criteria: Invitae Variant Classification Sherloc (09022015). Collection method: clinical testing. Allele origin: germline.
Comment: This sequence change replaces glycine, which is neutral and non-polar, with arginine, which is basic and polar, at codon 69 of the TBX18 protein (p.Gly69Arg). The frequency data for this variant in the population databases is considered unreliable, as metrics indicate poor data quality at this position in the gnomAD database. This variant has not been reported in the literature in individuals affected with TBX18-related conditions. ClinVar contains an entry for this variant (Variation ID: 2183211). Algorithms developed to predict the effect of missense changes on protein structure and function output the following: SIFT: "Not Available"; PolyPhen-2: "Probably Damaging"; Align-GVGD: "Not Available". The arginine amino acid residue is found in multiple mammalian species, which suggests that this missense change does not adversely affect protein function. In summary, the available evidence is currently insufficient to determine the role of this variant in disease. Therefore, it has been classified as a Variant of Uncertain Significance.

Department of Pathology and Laboratory Medicine, Sinai Health System
Classification: Uncertain significance for Congenital anomalies of kidney and urinary tract 2. Last evaluated: 2021-07-30. Review status: criteria provided, single submitter. Criteria: ACMG Guidelines, 2015. Collection method: research. Allele origin: germline.

NM_001080508.3(TBX18):c.205G>A (p.Gly69Arg)

Gene: TBX18 (T-box transcription factor 18; minus strand). Cytogenetic location: 6q14.3.
Variant type: single nucleotide variant.
Coding change: c.205G>A on transcript NM_001080508.3 (MANE Select); coding-DNA position 205, G replaced by A.
Protein change: p.Gly69Arg; replaces glycine 69 with arginine.
Molecular consequence: missense variant.
Genome position (GRCh38, 1-based): chr6:84,763,977, C>T on the plus strand (G>A on the coding strand, the complement: TBX18 is on the minus strand). VCF-style: chr6-84763977-C-T. GRCh37 (hg19) VCF-style: chr6-85473695-C-T.
Other names: c.205G>A (NM_001080508.1); short protein forms G69R.
Identifiers: ClinVar variation 2183211 (VCV002183211.6), dbSNP rs751378511, ClinGen allele CA3911179.